The following is an entry in ClinVar:

NC_000023.10:g.(?_77227139)_(77289339_?)del

Gene: ATP7A (ATPase copper transporting alpha; plus strand). Cytogenetic location: Xq21.1.
Variant type: Deletion.
Identifiers: ClinVar variation 3244739 (VCV003244739.1).

ClinVar aggregate classification (germline): Pathogenic (1 of 4 stars; one submission).

Conditions:
Menkes kinky-hair syndrome (MNK). Also called: Classic Menkes Disease; Copper transport disease; Menkes Disease. Identifiers: Orphanet 565, MedGen C0022716, MONDO:0010651, OMIM 309400.
X-linked distal spinal muscular atrophy type 3. Also called: ATP7A-Related Distal Motor Neuropathy; SPINAL MUSCULAR ATROPHY, DISTAL, X-LINKED RECESSIVE; NEURONOPATHY, DISTAL HEREDITARY MOTOR, X-LINKED; NEUROPATHY, DISTAL HEREDITARY MOTOR, X-LINKED. Identifiers: Orphanet 139557, MedGen C1845359, MONDO:0010338, OMIM 300489.
Cutis laxa, X-linked (OHS). Also called: EDS IX; Occipital horn syndrome. Identifiers: Orphanet 198, MedGen C0268353, MONDO:0010572, OMIM 304150.

Submission:

Labcorp Genetics (formerly Invitae), Labcorp
Classification: Pathogenic for X-linked distal spinal muscular atrophy type 3; Cutis laxa, X-linked; Menkes kinky-hair syndrome. Last evaluated: 2023-01-22. Review status: criteria provided, single submitter. Criteria: Invitae Variant Classification Sherloc (09022015). Collection method: clinical testing. Allele origin: unknown.
Comment: For these reasons, this variant has been classified as Pathogenic. A similar copy number variant has been observed in individual(s) with Menkes disease (PMID: 14635105; Invitae). This variant is a gross deletion of the genomic region encompassing exon(s) 2-17 of the ATP7A gene, which includes the initiator codon. This deletion extends beyond the assayed region for this gene and therefore may encompass additional genes. It is expected to result in an absent or disrupted protein product. Loss-of-function variants in ATP7A are known to be pathogenic (PMID: 11241493, 20652413).

Literature cited by the submitters: PubMed 14635105; PubMed 11241493; PubMed 20652413.